The following is an entry in ClinVar:

ClinVar aggregate classification (germline): Uncertain significance (1 of 4 stars; one submission).

gnomAD v4.1: 1 of 1,613,020 alleles (0.000062%); highest among the groups gnomAD compares: African/African-American, 0.0013%; no homozygotes.

Submission:

Ambry Genetics
Classification: Uncertain significance. Last evaluated: 2023-07-27. Review status: criteria provided, single submitter. Criteria: Ambry Variant Classification Scheme 2023. Collection method: clinical testing. Allele origin: germline.
Comment: The p.R539L variant (also known as c.1616G>T), located in coding exon 12 of the RECQL gene, results from a G to T substitution at nucleotide position 1616. The arginine at codon 539 is replaced by leucine, an amino acid with dissimilar properties. This amino acid position is conserved. In addition, the in silico prediction for this alteration is inconclusive. Since supporting evidence is limited at this time, the clinical significance of this alteration remains unclear.

NM_002907.4(RECQL):c.1616G>T (p.Arg539Leu)

Gene: RECQL (RecQ like helicase; minus strand). Cytogenetic location: 12p12.1.
Variant type: single nucleotide variant.
Coding change: c.1616G>T on transcript NM_002907.4 (MANE Select); coding-DNA position 1616, G replaced by T.
Protein change: p.Arg539Leu; replaces arginine 539 with leucine.
Molecular consequence: missense variant.
Genome position (GRCh38, 1-based): chr12:21,471,479, C>A on the plus strand (G>T on the coding strand, the complement: RECQL is on the minus strand). VCF-style: chr12-21471479-C-A. GRCh37 (hg19) VCF-style: chr12-21624413-C-A.
Other names: c.1616G>T, p.Arg539Leu (NM_032941.3); short protein forms R539L.
Identifiers: ClinVar variation 2586010 (VCV002586010.2), dbSNP rs367657766, ClinGen allele CA384116019.
Genomic context (GRCh38, chr12:21,471,479, plus strand): 5'-TGTACATACTTAAGATACTGCTGTATTAGAAAGTGTGCAATAATCTTCTCCAGATCTTCA[C>A]GAGGAAGTGTGGGAGCCACAACACCTGCTACTCTCAGTTTTGCTGCACCCTTTCCCATCC-3'
Protein context (NP_002898.2, residues 529-549): VAGVVAPTLP[Arg539Leu]EDLEKIIAHF